The following is an entry in ClinVar:

NM_005591.4(MRE11):c.1681A>G (p.Ser561Gly)

Gene: MRE11 (MRE11 double strand break repair nuclease; minus strand). Cytogenetic location: 11q21.
Variant type: single nucleotide variant.
Coding change: c.1681A>G on transcript NM_005591.4 (MANE Select); coding-DNA position 1681, A replaced by G.
Protein change: p.Ser561Gly; replaces serine 561 with glycine.
Molecular consequence: missense variant.
Genome position (GRCh38, 1-based): chr11:94,447,321, T>C on the plus strand (A>G on the coding strand, the complement: MRE11 is on the minus strand). VCF-style: chr11-94447321-T-C. GRCh37 (hg19) VCF-style: chr11-94180487-T-C.
Other names: c.1606A>G, p.Ser536Gly (NM_001440472.1, NM_001440471.1); c.1600A>G, p.Ser534Gly (NM_001440473.1, NM_001440477.1, NM_001440478.1); c.1681A>G, p.Ser561Gly (NM_001440474.1, NM_001440475.1, NM_001440476.1 and 10 more transcripts); c.1543A>G, p.Ser515Gly (NM_001440479.1); c.1618A>G, p.Ser540Gly (NM_001440467.1, NM_001440468.1, NM_001440469.1 and 2 more transcripts); c.1336A>G, p.Ser446Gly (NM_001440482.1, NM_001440483.1, NM_001440484.1); c.1213A>G, p.Ser405Gly (NM_001440485.1, NM_001440486.1, NM_001440487.1); short protein forms S515G, S446G, S534G, S540G, S561G, S405G, S536G.
Identifiers: ClinVar variation 4110093 (VCV004110093.1).

ClinVar aggregate classification (germline): Uncertain significance (1 of 4 stars; one submission).

Conditions:
Hereditary cancer-predisposing syndrome. Also called: Tumor predisposition; Neoplastic Syndromes, Hereditary; Hereditary neoplastic syndrome; Hereditary Cancer Syndrome. Identifiers: Orphanet 140162, MedGen C0027672, MeSH D009386, MONDO:0015356.

Submission:

Ambry Genetics
Classification: Uncertain significance for Hereditary cancer-predisposing syndrome. Last evaluated: 2025-08-07. Review status: criteria provided, single submitter. Criteria: Ambry Variant Classification Scheme 2023. Collection method: clinical testing. Allele origin: germline.
Comment: The p.S561G variant (also known as c.1681A>G), located in coding exon 14 of the MRE11A gene, results from an A to G substitution at nucleotide position 1681. The serine at codon 561 is replaced by glycine, an amino acid with similar properties. This amino acid position is conserved. In addition, this alteration is predicted to be tolerated by in silico analysis. Based on the available evidence, the clinical significance of this variant remains unclear.